The following is an entry in ClinVar:

NM_000443.4(ABCB4):c.344+2_344+3insTT

Gene: ABCB4 (ATP binding cassette subfamily B member 4; minus strand). Cytogenetic location: 7q21.12.
Variant type: Insertion.
Coding change: c.344+2_344+3insTT on transcript NM_000443.4 (MANE Select); the canonical splice donor site of the intron after coding-DNA position 344 through 3 bases into the intron after coding-DNA position 344, TT inserted.
Molecular consequence: splice donor variant.
Genome position: GRCh38 VCF-style: chr7-87454532-T-TAA. GRCh37 (hg19) VCF-style: chr7-87083848-T-TAA.
Other names: c.344+2_344+3insTT (NM_018850.3, NM_018849.3).
Identifiers: ClinVar variation 4846364 (VCV004846364.1).

ClinVar aggregate classification (germline): Pathogenic (1 of 4 stars; one submission).

Conditions:
Familial intrahepatic cholestasis. Identifiers: Orphanet 284385, MedGen CN296401, MONDO:0017290.

Submission:

Genomenon, Inc
Classification: Pathogenic for Familial intrahepatic cholestasis. Last evaluated: 2026-04-14. Review status: criteria provided, single submitter. Criteria: Genomenon Sequence Variant Interpretation Standards - Updated. Collection method: curation. Allele origin: germline. Affected: yes.
Comment: ABCB4 c.344+2_344+3insTT is an insertion variant that affects the donor splice region of intron 5. This variant has been observed in at least one proband with an ABCB4-related disorder (PMID:37471416;30284531). The variant was found to segregate with disease in at least one affected family (PMID:30284531). At least one splicing study demonstrated this variant results in aberrant splicing (PMID:34906502;30284531). It is absent or not present at a significant frequency in gnomAD. In conclusion, we classify ABCB4 c.344+2_344+3insTT as a pathogenic variant.

Literature cited by the submitters: PubMed 37471416; PubMed 30284531; PubMed 34906502.